The following is an entry in ClinVar:

NM_002880.4(RAF1):c.608A>G (p.Asp203Gly)

Gene: RAF1 (Raf-1 proto-oncogene, serine/threonine kinase; minus strand). Cytogenetic location: 3p25.2.
Variant type: single nucleotide variant.
Coding change: c.608A>G on transcript NM_002880.4 (MANE Select); coding-DNA position 608, A replaced by G.
Protein change: p.Asp203Gly; replaces aspartic acid 203 with glycine.
Molecular consequence: missense variant. On other transcripts: non-coding transcript variant (3), intron variant (2).
Genome position (GRCh38, 1-based): chr3:12,606,273, T>C on the plus strand (A>G on the coding strand, the complement: RAF1 is on the minus strand). VCF-style: chr3-12606273-T-C. GRCh37 (hg19) VCF-style: chr3-12647772-T-C.
Other names: c.608A>G, p.Asp203Gly (NM_001354689.3, NM_001354690.3); c.365A>G, p.Asp122Gly (NM_001354691.3, NM_001354692.3, NM_001354694.3); c.339-1984A>G (NM_001354695.3); c.582-1984A>G (NM_001354693.3); short protein forms D122G, D203G.
Identifiers: ClinVar variation 2751406 (VCV002751406.3), dbSNP rs2125406978, ClinGen allele CA351514914.

ClinVar aggregate classification (germline): Uncertain significance (1 of 4 stars; one submission).

Conditions:
RASopathy. Also called: rasopathies; Noonan spectrum disorder. Identifiers: Orphanet 536391, MedGen C5555857, MONDO:0021060.

gnomAD v4.1: 1 of 1,613,592 alleles (0.000062%); no homozygotes.

Submission:

Labcorp Genetics (formerly Invitae), Labcorp
Classification: Uncertain significance for RASopathy. Last evaluated: 2023-10-13. Review status: criteria provided, single submitter. Criteria: Invitae Variant Classification Sherloc (09022015). Collection method: clinical testing. Allele origin: germline.
Comment: This sequence change replaces aspartic acid, which is acidic and polar, with glycine, which is neutral and non-polar, at codon 203 of the RAF1 protein (p.Asp203Gly). This variant is not present in population databases (gnomAD no frequency). This variant has not been reported in the literature in individuals affected with RAF1-related conditions. Advanced modeling of protein sequence and biophysical properties (such as structural, functional, and spatial information, amino acid conservation, physicochemical variation, residue mobility, and thermodynamic stability) performed at Invitae indicates that this missense variant is not expected to disrupt RAF1 protein function. In summary, the available evidence is currently insufficient to determine the role of this variant in disease. Therefore, it has been classified as a Variant of Uncertain Significance.